The following is an entry in ClinVar:

ClinVar aggregate classification (germline): Conflicting classifications of pathogenicity. Review status: criteria provided, conflicting classifications (1 of 4 stars). 4 submissions from 4 submitters: Uncertain significance (1); Likely benign (3). Last evaluated 2026-01-21.

Allele frequency attached by ClinVar (database versions not stated): gnomAD exomes 0.00004 and 0.00010; ExAC 0.00014; ESP Exome Variant Server 0.00031; gnomAD 0.00042 and 0.00044; 1000 Genomes Project 30x 0.00047; TOPMed 0.00059; 1000 Genomes Project 0.00060.

Submissions (4):

Labcorp Genetics (formerly Invitae), Labcorp
Classification: Likely benign. Last evaluated: 2026-01-21. Review status: criteria provided, single submitter. Criteria: Invitae Variant Classification Sherloc (09022015). Collection method: clinical testing. Allele origin: germline.

CeGaT Center for Human Genetics Tuebingen
Classification: Likely benign. Last evaluated: 2025-05-01. Review status: criteria provided, single submitter. Criteria: CeGaT Center For Human Genetics Tuebingen Variant Classification Criteria Version 2. Collection method: clinical testing. Allele origin: germline. Affected: yes. Observed: 1 variant allele.
Comment: SLC12A1: BP4, BP7

Women's Health and Genetics/Laboratory Corporation of America, LabCorp
Classification: Likely benign. Last evaluated: 2022-12-29. Review status: criteria provided, single submitter. Criteria: LabCorp Variant Classification Summary - May 2015. Collection method: clinical testing. Allele origin: germline.
Comment: Variant summary: SLC12A1 c.1089A>G (p.Ala363Ala) alters a non-conserved nucleotide located close to a canonical splice site and therefore could affect mRNA splicing, leading to a significantly altered protein sequence. Several computational tools predict a significant impact on normal splicing: Two predict the variant strengthens a 3' acceptor site. However, these predictions have yet to be confirmed by functional studies. The variant allele was found at a frequency of 9.6e-05 in 250870 control chromosomes. This frequency is not significantly higher than expected for a pathogenic variant in SLC12A1 causing Bartter Syndrome, Type 1 (9.6e-05 vs 0.0011), allowing no conclusion about variant significance. To our knowledge, no occurrence of c.1089A>G in individuals affected with Bartter Syndrome, Type 1 and no experimental evidence demonstrating its impact on protein function have been reported. Two clinical diagnostic laboratories have submitted clinical-significance assessments for this variant to ClinVar after 2014 without evidence for independent evaluation. One laboratory classified the variant as likely benign, and one laboratory classified the variant as uncertain significance. Based on the evidence outlined above, the variant was classified as likely benign.

Eurofins Ntd Llc (ga)
Classification: Uncertain significance. Last evaluated: 2016-02-16. Review status: criteria provided, single submitter. Criteria: EGL Classification Definitions 2015. Collection method: clinical testing. Allele origin: germline. Observed: 1 variant allele, 1 heterozygote.

NM_000338.3(SLC12A1):c.1089A>G (p.Ala363=)

Gene: SLC12A1 (solute carrier family 12 member 1; plus strand). Cytogenetic location: 15q21.1.
Variant type: single nucleotide variant.
Coding change: c.1089A>G on transcript NM_000338.3 (MANE Select); coding-DNA position 1089, A replaced by G.
Protein change: p.Ala363=; no amino-acid change (alanine 363 retained).
Molecular consequence: synonymous variant.
Genome position (GRCh38, 1-based): chr15:48,234,878, A>G. VCF-style: chr15-48234878-A-G. GRCh37 (hg19) VCF-style: chr15-48527075-A-G.
Other names: c.1089A>G, p.Ala363= (NM_001184832.2).
Identifiers: ClinVar variation 285884 (VCV000285884.24), dbSNP rs142646329, ClinGen allele CA7546973.
Genomic context (GRCh38, chr15:48,234,878, plus strand): 5'-TAATCTCCTGTACTGTGAAAAATGTCTACATCATAATTTTCTTATAATTTATGTTGCAGC[A>G]TCAATATTTGCAGAAAACTTTGGGCCACGCTTCACAAAGGGTGAAGGCTTCTTCTCTGTC-3'
Protein context (NP_000329.2, residues 353-373): KKSRGFFNYQ[Ala363=]SIFAENFGPR